The following is an entry in ClinVar:

ClinVar aggregate classification (germline): Uncertain significance. Review status: criteria provided, single submitter (1 of 4 stars). 2 submissions from 2 submitters: Uncertain significance (1). 1 of the submissions does not count toward it. Last evaluated 2021-03-02.

Conditions:
Diamond-Blackfan anemia 1 (DBA1). Also called: RPS19-Related Diamond-Blackfan Anemia; BLACKFAN-DIAMOND SYNDROME; ANEMIA, CONGENITAL HYPOPLASTIC, OF BLACKFAN AND DIAMOND; ANEMIA, CONGENITAL ERYTHROID HYPOPLASTIC; RED CELL APLASIA, PURE, HEREDITARY; AREGENERATIVE ANEMIA, CHRONIC CONGENITAL. Identifiers: Orphanet 124, MedGen C2676137, MONDO:0007110, OMIM 105650.

Allele frequency attached by ClinVar (database versions not stated): gnomAD 0.00001.

Submissions (2):

Revvity Omics, Revvity
Classification: Uncertain significance for Diamond-Blackfan anemia 1. Last evaluated: 2021-03-02. Review status: criteria provided, single submitter. Criteria: ACMG Guidelines, 2015. Collection method: clinical testing. Allele origin: germline.

Genetic Services Laboratory, University of Chicago
Classification: Uncertain significance. Last evaluated: 2022-06-22. Review status: no assertion criteria provided. Collection method: clinical testing. Allele origin: germline. Affected: no. Not counted in ClinVar's aggregate classification.
Comment: DNA sequence analysis of the RPS19 gene demonstrated a sequence change in intron 1, c.1-9C>T. This change does not appear to have been previously described in individuals with RPS19-related disorders. This sequence change has been described in the gnomAD database with a global frequency of 0.003% (dbSNP NA). This sequence change is not predicted to have a deleterious effect on splicing based on in-silico splice prediction programs. The functional significance of this sequence change is not known at present and its contribution to this individual's disease phenotype cannot definitively be determined.

NM_001022.4(RPS19):c.1-9C>T

Genes: RPS19 (ribosomal protein S19; plus strand), RPS19-CD79A (RPS19-CD79A readthrough; plus strand). Cytogenetic location: 19q13.2.
Variant type: single nucleotide variant.
Coding change: c.1-9C>T on transcript NM_001022.4 (MANE Select); 9 bases into the intron before coding-DNA position 1, C replaced by T.
Molecular consequence: intron variant.
Genome position (GRCh38, 1-based): chr19:41,860,766, C>T. VCF-style: chr19-41860766-C-T. GRCh37 (hg19) VCF-style: chr19-42364836-C-T.
Other names: c.1-9C>T (NM_001321484.2, NM_001321485.2, NM_001321483.2).
Identifiers: ClinVar variation 2435479 (VCV002435479.5), dbSNP rs376460080, ClinGen allele CA633181038.